The following is an entry in ClinVar:

NM_001943.5(DSG2):c.2000A>G (p.Lys667Arg)

Gene: DSG2 (desmoglein 2; plus strand). Cytogenetic location: 18q12.1.
Variant type: single nucleotide variant.
Coding change: c.2000A>G on transcript NM_001943.5 (MANE Select); coding-DNA position 2000, A replaced by G.
Protein change: p.Lys667Arg; replaces lysine 667 with arginine.
Molecular consequence: missense variant.
Genome position (GRCh38, 1-based): chr18:31,541,313, A>G. VCF-style: chr18-31541313-A-G. GRCh37 (hg19) VCF-style: chr18-29121276-A-G.
Other names: short protein forms K667R.
Identifiers: ClinVar variation 1392281 (VCV001392281.8), dbSNP rs2144350910, ClinGen allele CA402139988.

ClinVar aggregate classification (germline): Uncertain significance. Review status: criteria provided, multiple submitters, no conflicts (2 of 4 stars). 2 submissions from 2 submitters: Uncertain significance (2). Last evaluated 2024-09-06.

Conditions:
Cardiomyopathy (CMYO). Also called: Cardiomyopathies. Identifiers: Orphanet 167848, MedGen C0878544, MONDO:0004994, HP:0001638. Inheritance: Various modes of inheritance.
Arrhythmogenic right ventricular dysplasia 10. Also called: Arrhythmogenic right ventricular dysplasia/cardiomyopathy, type 10; ARRHYTHMOGENIC RIGHT VENTRICULAR DYSPLASIA, FAMILIAL, 10; Arrhythmogenic Right Ventricular Dysplasia/Cardiomyopathy10. Identifiers: MedGen C1857777, MONDO:0012434, OMIM 610193.

Submissions (2):

Labcorp Genetics (formerly Invitae), Labcorp
Classification: Uncertain significance for Arrhythmogenic right ventricular dysplasia 10. Last evaluated: 2024-09-06. Review status: criteria provided, single submitter. Criteria: Invitae Variant Classification Sherloc (09022015). Collection method: clinical testing. Allele origin: germline.
Comment: This sequence change replaces lysine, which is basic and polar, with arginine, which is basic and polar, at codon 667 of the DSG2 protein (p.Lys667Arg). This variant is not present in population databases (gnomAD no frequency). This variant has not been reported in the literature in individuals affected with DSG2-related conditions. ClinVar contains an entry for this variant (Variation ID: 1392281). An algorithm developed to predict the effect of missense changes on protein structure and function (PolyPhen-2) suggests that this variant is likely to be disruptive. In summary, the available evidence is currently insufficient to determine the role of this variant in disease. Therefore, it has been classified as a Variant of Uncertain Significance.

Color Diagnostics, LLC DBA Color Health
Classification: Uncertain significance for Cardiomyopathy. Last evaluated: 2022-03-08. Review status: criteria provided, single submitter. Criteria: ACMG Guidelines, 2015. Collection method: clinical testing. Allele origin: germline.
Comment: This missense variant replaces lysine with arginine at codon 667 of the DSG2 protein. Computational prediction suggests that this variant may not impact protein structure and function (internally defined REVEL score threshold <= 0.5, PMID: 27666373). To our knowledge, functional studies have not been reported for this variant. This variant has not been reported in individuals affected with cardiovascular disorders in the literature. This variant has not been identified in the general population by the Genome Aggregation Database (gnomAD). The available evidence is insufficient to determine the role of this variant in disease conclusively. Therefore, this variant is classified as a Variant of Uncertain Significance.